The following is an entry in ClinVar:

ClinVar aggregate classification (germline): Uncertain significance (1 of 4 stars; one submission).

Submission:

GeneDx
Classification: Uncertain significance. Last evaluated: 2023-01-30. Review status: criteria provided, single submitter. Criteria: GeneDx Variant Classification Process June 2021. Collection method: clinical testing. Allele origin: germline. Affected: yes.
Comment: Not observed at significant frequency in large population cohorts (gnomAD); In silico analysis supports that this missense variant does not alter protein structure/function; Has not been previously published as pathogenic or benign to our knowledge

NM_018489.3(ASH1L):c.2651C>G (p.Ser884Cys)

Gene: ASH1L (ASH1 like histone lysine methyltransferase; minus strand). Cytogenetic location: 1q22.
Variant type: single nucleotide variant.
Coding change: c.2651C>G on transcript NM_018489.3 (MANE Select); coding-DNA position 2651, C replaced by G.
Protein change: p.Ser884Cys; replaces serine 884 with cysteine.
Molecular consequence: missense variant.
Genome position (GRCh38, 1-based): chr1:155,480,219, G>C on the plus strand (C>G on the coding strand, the complement: ASH1L is on the minus strand). VCF-style: chr1-155480219-G-C. GRCh37 (hg19) VCF-style: chr1-155450010-G-C.
Other names: c.2651C>G, p.Ser884Cys (NM_001366177.2); short protein forms S884C.
Identifiers: ClinVar variation 2574514 (VCV002574514.1), dbSNP rs2527176497, ClinGen allele CA342722991.